The following is an entry in ClinVar:

NM_000292.3(PHKA2):c.1715-50G>A

Gene: PHKA2 (phosphorylase kinase regulatory subunit alpha 2; minus strand). Cytogenetic location: Xp22.13.
Variant type: single nucleotide variant.
Coding change: c.1715-50G>A on transcript NM_000292.3 (MANE Select); 50 bases into the intron before coding-DNA position 1715, G replaced by A.
Molecular consequence: intron variant.
Genome position (GRCh38, 1-based): chrX:18,924,184, C>T on the plus strand (G>A on the coding strand, the complement: PHKA2 is on the minus strand). VCF-style: chrX-18924184-C-T. GRCh37 (hg19) VCF-style: chrX-18942302-C-T.
Other names: c.1616-50G>A (NM_001440804.1, NM_001440803.1, NM_001440802.1); c.1715-50G>A (NM_001440801.1, NM_001440800.1, NM_001440805.1).
Identifiers: ClinVar variation 4882272 (VCV004882272.2).

ClinVar aggregate classification (germline): Uncertain significance (1 of 4 stars; one submission).

gnomAD v4.1: 5 of 983,368 alleles (0.00051%); highest among the groups gnomAD compares: Non-Finnish European, 0.00073%; no homozygotes.

Submission:

Dasa
Classification: Uncertain significance. Last evaluated: 2026-02-25. Review status: criteria provided, single submitter. Criteria: DASA Assertion Criteria. Collection method: clinical testing. Allele origin: germline.
Comment: NM_000292.3(PHKA2):c.1715-50G>A is an intronic variant. This variant is rare in population databases. The currently available literature and clinical evidence are not sufficient to establish a definitive association between this variant and the reported condition. Therefore, this variant is classified as a variant of uncertain significance.